The following is an entry in ClinVar:

NM_000525.4(KCNJ11):c.86G>A (p.Arg29His)

Gene: KCNJ11 (potassium inwardly rectifying channel subfamily J member 11; minus strand). Cytogenetic location: 11p15.1.
Variant type: single nucleotide variant.
Coding change: c.86G>A on transcript NM_000525.4 (MANE Select); coding-DNA position 86, G replaced by A.
Protein change: p.Arg29His; replaces arginine 29 with histidine.
Molecular consequence: missense variant. On other transcripts: intron variant (3).
Genome position (GRCh38, 1-based): chr11:17,388,006, C>T on the plus strand (G>A on the coding strand, the complement: KCNJ11 is on the minus strand). VCF-style: chr11-17388006-C-T. GRCh37 (hg19) VCF-style: chr11-17409553-C-T.
Other names: c.-16-160G>A (NM_001166290.2, NM_001377297.1); c.-17+12G>A (NM_001377296.1); short protein forms R29H.
Identifiers: ClinVar variation 1303355 (VCV001303355.4), dbSNP rs988002138, ClinGen allele CA218400191.

ClinVar aggregate classification (germline): Uncertain significance. Review status: criteria provided, multiple submitters, no conflicts (2 of 4 stars). 3 submissions from 3 submitters: Uncertain significance (3). Last evaluated 2025-11-25.

Conditions:
Hyperinsulinemic hypoglycemia, familial, 2. Also called: HYPERINSULINEMIC HYPOGLYCEMIA, PERSISTENT; HYPERINSULINISM, NEONATAL. Identifiers: Orphanet 276580, Orphanet 276603, MedGen C2931833, MONDO:0011153, OMIM 601820. Disease mechanism: loss of function.
Type 2 diabetes mellitus. Also called: Type II diabetes mellitus. Identifiers: MedGen C0011860, MeSH D003924, MONDO:0005148, OMIM 125853, HP:0005978.
Diabetes mellitus, transient neonatal, 3 (TNDM3). Identifiers: Orphanet 99886, MedGen C1864623, MONDO:0012522, OMIM 610582. Disease mechanism: loss of function.
Maturity-onset diabetes of the young type 13. Also called: MODY, TYPE 13. Identifiers: Orphanet 552, MedGen C4225365, MONDO:0014589, OMIM 616329.
Diabetes mellitus, permanent neonatal 2. Also called: KCNJ11-Related Permanent Neonatal Diabetes Mellitus. Identifiers: MedGen C5394296, MONDO:0030087, OMIM 618856.

Allele frequency attached by ClinVar (database versions not stated): gnomAD exomes below 0.00001 and 0.00001; gnomAD 0.00004 and 0.00006; TOPMed 0.00009.

Submissions (3):

Labcorp Genetics (formerly Invitae), Labcorp
Classification: Uncertain significance. Last evaluated: 2025-11-25. Review status: criteria provided, single submitter. Criteria: Invitae Variant Classification Sherloc (09022015). Collection method: clinical testing. Allele origin: germline.
Comment: This sequence change replaces arginine, which is basic and polar, with histidine, which is basic and polar, at codon 29 of the KCNJ11 protein (p.Arg29His). The frequency data for this variant in the population databases is considered unreliable, as metrics indicate poor data quality at this position in the gnomAD database. This missense change has been observed in individual(s) with clinical features of KCNJ11-related conditions (PMID: 31291970). ClinVar contains an entry for this variant (Variation ID: 1303355). Invitae Evidence Modeling of protein sequence and biophysical properties (such as structural, functional, and spatial information, amino acid conservation, physicochemical variation, residue mobility, and thermodynamic stability) has been performed for this missense variant. However, the output from this modeling did not meet the statistical confidence thresholds required to predict the impact of this variant on KCNJ11 protein function. In summary, the available evidence is currently insufficient to determine the role of this variant in disease. Therefore, it has been classified as a Variant of Uncertain Significance.

Fulgent Genetics
Classification: Uncertain significance for Type 2 diabetes mellitus; Hyperinsulinemic hypoglycemia, familial, 2; Diabetes mellitus, transient neonatal, 3; Maturity-onset diabetes of the young type 13; Diabetes mellitus, permanent neonatal 2. Last evaluated: 2024-04-11. Review status: criteria provided, single submitter. Criteria: ACMG Guidelines, 2015. Collection method: clinical testing. Allele origin: germline.

GeneDx
Classification: Uncertain significance. Last evaluated: 2022-12-05. Review status: criteria provided, single submitter. Criteria: GeneDx Variant Classification Process June 2021. Collection method: clinical testing. Allele origin: germline. Affected: yes.
Comment: Reported in an individual with neonatal diabetes (Nagesh et al., 2016); however, detailed patient clinical information not available; In silico analysis supports that this missense variant does not alter protein structure/function; This variant is associated with the following publications: (PMID: 21119644)

Literature cited by the submitters: PubMed 31291970 (cited by Labcorp Genetics (formerly Invitae), Labcorp).